The following is an entry in ClinVar:

ClinVar aggregate classification (germline): Uncertain significance (1 of 4 stars; one submission).

Conditions:
Neuromuscular disease caused by qualitative or quantitative defects of dysferlin. Also called: Dysferlinopathy; Qualitative or quantitative defects of dysferlin. Identifiers: Orphanet 207073, MedGen C2931687, MONDO:0016145.

gnomAD v4.1: 30 of 1,613,936 alleles (0.0019%); highest among the groups gnomAD compares: Non-Finnish European, 0.0023%; no homozygotes.

Submission:

Labcorp Genetics (formerly Invitae), Labcorp
Classification: Uncertain significance for Neuromuscular disease caused by qualitative or quantitative defects of dysferlin. Last evaluated: 2022-05-10. Review status: criteria provided, single submitter. Criteria: Invitae Variant Classification Sherloc (09022015). Collection method: clinical testing. Allele origin: germline.
Comment: This sequence change falls in intron 31 of the DYSF gene. It does not directly change the encoded amino acid sequence of the DYSF protein. This variant is not present in population databases (gnomAD no frequency). This variant has not been reported in the literature in individuals affected with DYSF-related conditions. Algorithms developed to predict the effect of sequence changes on RNA splicing suggest that this variant may create or strengthen a splice site. In summary, the available evidence is currently insufficient to determine the role of this variant in disease. Therefore, it has been classified as a Variant of Uncertain Significance.

NM_001130987.2(DYSF):c.3497-13T>A

Gene: DYSF (dysferlin; plus strand). Cytogenetic location: 2p13.2.
Variant type: single nucleotide variant.
Coding change: c.3497-13T>A on transcript NM_001130987.2 (MANE Select); 13 bases into the intron before coding-DNA position 3497, T replaced by A.
Molecular consequence: intron variant.
Genome position (GRCh38, 1-based): chr2:71,590,198, T>A. VCF-style: chr2-71590198-T-A. GRCh37 (hg19) VCF-style: chr2-71817328-T-A.
Other names: c.3536-13T>A (NM_001130979.2); c.3494-13T>A (NM_001130981.2, NM_001130980.2); c.3443-13T>A (NM_001130978.2, NM_003494.4); c.3401-13T>A (NM_001130977.2, NM_001130976.2); c.3539-13T>A (NM_001130982.2); c.3497-13T>A (NM_001130985.2); c.3446-13T>A (NM_001130983.2, NM_001130455.2); c.3404-13T>A (NM_001130984.2, NM_001130986.2).
Identifiers: ClinVar variation 2164257 (VCV002164257.1), dbSNP rs759062827, ClinGen allele CA426702299.